The following is an entry in ClinVar:

NM_004722.4(AP4M1):c.299G>T (p.Gly100Val)

Gene: AP4M1 (adaptor related protein complex 4 subunit mu 1; plus strand). Cytogenetic location: 7q22.1.
Variant type: single nucleotide variant.
Coding change: c.299G>T on transcript NM_004722.4 (MANE Select); coding-DNA position 299, G replaced by T.
Protein change: p.Gly100Val; replaces glycine 100 with valine.
Molecular consequence: missense variant.
Genome position (GRCh38, 1-based): chr7:100,102,908, G>T. VCF-style: chr7-100102908-G-T. GRCh37 (hg19) VCF-style: chr7-99700531-G-T.
Other names: c.320G>T, p.Gly107Val (NM_001363671.2); short protein forms G107V, G100V.
Identifiers: ClinVar variation 1518226 (VCV001518226.4), dbSNP rs772854398, ClinGen allele CA4374560.

ClinVar aggregate classification (germline): Uncertain significance (1 of 4 stars; one submission).

Conditions:
Hereditary spastic paraplegia 50 (SPG50). Also called: Spastic paraplegia 50, autosomal recessive. Identifiers: Orphanet 280763, MedGen C2752008, MONDO:0013048, OMIM 612936.

Allele frequency attached by ClinVar (database versions not stated): TOPMed below 0.00001; ExAC 0.00001; gnomAD 0.00001.
gnomAD v4.1: 4 of 1,613,908 alleles (0.00025%); highest among the groups gnomAD compares: Admixed American, 0.0067%; no homozygotes.

Submission:

Labcorp Genetics (formerly Invitae), Labcorp
Classification: Uncertain significance for Hereditary spastic paraplegia 50. Last evaluated: 2021-09-06. Review status: criteria provided, single submitter. Criteria: Invitae Variant Classification Sherloc (09022015). Collection method: clinical testing. Allele origin: germline.
Comment: This sequence change replaces glycine with valine at codon 100 of the AP4M1 protein (p.Gly100Val). The glycine residue is moderately conserved and there is a moderate physicochemical difference between glycine and valine. This variant is present in population databases (rs772854398, ExAC 0.009%). This variant has not been reported in the literature in individuals affected with AP4M1-related conditions. Algorithms developed to predict the effect of missense changes on protein structure and function (SIFT, PolyPhen-2, Align-GVGD) all suggest that this variant is likely to be tolerated. Algorithms developed to predict the effect of sequence changes on RNA splicing suggest that this variant may create or strengthen a splice site. In summary, the available evidence is currently insufficient to determine the role of this variant in disease. Therefore, it has been classified as a Variant of Uncertain Significance.